The following is an entry in ClinVar:

ClinVar aggregate classification (germline): Likely pathogenic (1 of 4 stars; one submission).

Conditions:
Inborn genetic diseases. Identifiers: MedGen C0950123, MeSH D030342.

gnomAD v4.1: 1 of 1,613,924 alleles (0.000062%); highest among the groups gnomAD compares: Non-Finnish European, 0.000085%; no homozygotes.

Submission:

Ambry Genetics
Classification: Likely pathogenic for Inborn genetic diseases. Last evaluated: 2025-11-10. Review status: criteria provided, single submitter. Criteria: Ambry Variant Classification Scheme 2023. Collection method: clinical testing. Allele origin: germline.
Comment: The c.4979G>A (p.R1660H) alteration is located in exon 14 (coding exon 13) of the NSD1 gene. This alteration results from a G to A substitution at nucleotide position 4979, causing the arginine (R) at amino acid position 1660 to be replaced by a histidine (H). This variant was not reported in population-based cohorts in the Genome Aggregation Database (gnomAD). This amino acid position is highly conserved in available vertebrate species. This missense alteration is located in a region that has a low rate of benign missense variation (Lek, 2016; Firth, 2009). This alteration is predicted to be deleterious by in silico analysis. Based on the available evidence, this alteration is classified as likely pathogenic.

NM_022455.5(NSD1):c.4979G>A (p.Arg1660His)

Gene: NSD1 (nuclear receptor binding SET domain protein 1; plus strand). Cytogenetic location: 5q35.3.
Variant type: single nucleotide variant.
Coding change: c.4979G>A on transcript NM_022455.5 (MANE Select); coding-DNA position 4979, G replaced by A.
Protein change: p.Arg1660His; replaces arginine 1660 with histidine.
Molecular consequence: missense variant.
Genome position (GRCh38, 1-based): chr5:177,260,001, G>A. VCF-style: chr5-177260001-G-A. GRCh37 (hg19) VCF-style: chr5-176687002-G-A.
Other names: c.4106G>A, p.Arg1369His (NM_001365684.2, NM_001409308.1, NM_001409309.1 and 1 more transcripts); c.4979G>A, p.Arg1660His (NM_001409301.1, NM_001409302.1, NM_001409303.1); c.4559G>A, p.Arg1520His (NM_001409304.1); c.4226G>A, p.Arg1409His (NM_001409305.1); c.4217G>A, p.Arg1406His (NM_001409306.1, NM_001409307.1); short protein forms R1369H, R1406H, R1409H, R1520H, R1660H.
Identifiers: ClinVar variation 4626502 (VCV004626502.1).
Genomic context (GRCh38, chr5:177,260,001, plus strand): 5'-TTAATATTTTTGTTTTTCTTTTGCTTGTCCCTGATTTTCCTGCTTTAGGTCGGTTGATGC[G>A]CTGTGTCCGCTGTCCTGTGGCATACCACGCCAATGACTTTTGCCTGGCTGCTGGGTCAAA-3'
Protein context (NP_071900.2, residues 1650-1670): NVSASKGRLM[Arg1660His]CVRCPVAYHA